The following is an entry in ClinVar:

NM_000321.3(RB1):c.901A>G (p.Asn301Asp)

Gene: RB1 (RB transcriptional corepressor 1; plus strand). Cytogenetic location: 13q14.2.
Variant type: single nucleotide variant.
Coding change: c.901A>G on transcript NM_000321.3 (MANE Select); coding-DNA position 901, A replaced by G.
Protein change: p.Asn301Asp; replaces asparagine 301 with aspartic acid.
Molecular consequence: missense variant.
Genome position (GRCh38, 1-based): chr13:48,364,933, A>G. VCF-style: chr13-48364933-A-G. GRCh37 (hg19) VCF-style: chr13-48939069-A-G.
Other names: c.901A>G, p.Asn301Asp (NM_001407165.1, NM_001407166.1); short protein forms N301D.
Identifiers: ClinVar variation 2874972 (VCV002874972.3), dbSNP rs2138116483, ClinGen allele CA388159977.

ClinVar aggregate classification (germline): Uncertain significance (1 of 4 stars; one submission).

Conditions:
Retinoblastoma (RB1). Also called: RETINOBLASTOMA, SOMATIC. Identifiers: Orphanet 790, MedGen C0035335, MeSH D012175, MONDO:0008380, OMIM 180200, HP:0009919. Disease mechanism: loss of function. Inheritance: Both sporadic and heritable forms are tested..

gnomAD v4.1: 1 of 1,570,018 alleles (0.000064%); highest among the groups gnomAD compares: South Asian, 0.0012%; no homozygotes.

Submission:

Labcorp Genetics (formerly Invitae), Labcorp
Classification: Uncertain significance for Retinoblastoma. Last evaluated: 2023-06-21. Review status: criteria provided, single submitter. Criteria: Invitae Variant Classification Sherloc (09022015). Collection method: clinical testing. Allele origin: germline.
Comment: In summary, the available evidence is currently insufficient to determine the role of this variant in disease. Therefore, it has been classified as a Variant of Uncertain Significance. Advanced modeling of protein sequence and biophysical properties (such as structural, functional, and spatial information, amino acid conservation, physicochemical variation, residue mobility, and thermodynamic stability) performed at Invitae indicates that this missense variant is not expected to disrupt RB1 protein function. This sequence change replaces asparagine, which is neutral and polar, with aspartic acid, which is acidic and polar, at codon 301 of the RB1 protein (p.Asn301Asp). This variant is not present in population databases (gnomAD no frequency). This variant has not been reported in the literature in individuals affected with RB1-related conditions.